The following is an entry in ClinVar:

ClinVar aggregate classification (germline): Uncertain significance (1 of 4 stars; one submission).

Submission:

GeneDx
Classification: Uncertain significance. Last evaluated: 2022-08-09. Review status: criteria provided, single submitter. Criteria: GeneDx Variant Classification Process June 2021. Collection method: clinical testing. Allele origin: germline. Affected: yes.
Comment: Not observed at significant frequency in large population cohorts (gnomAD); Nonsense variant predicted to result in protein truncation or nonsense mediated decay in a gene or region of a gene for which loss of function is not a well-established mechanism of disease; Has not been previously published as pathogenic or benign to our knowledge

NM_006445.4(PRPF8):c.5769G>A (p.Trp1923Ter)

Gene: PRPF8 (pre-mRNA processing factor 8; minus strand). Cytogenetic location: 17p13.3.
Variant type: single nucleotide variant.
Coding change: c.5769G>A on transcript NM_006445.4 (MANE Select); coding-DNA position 5769, G replaced by A.
Protein change: p.Trp1923Ter; replaces tryptophan 1923 with a stop codon.
Molecular consequence: nonsense.
Genome position (GRCh38, 1-based): chr17:1,656,416, C>T on the plus strand (G>A on the coding strand, the complement: PRPF8 is on the minus strand). VCF-style: chr17-1656416-C-T. GRCh37 (hg19) VCF-style: chr17-1559710-C-T.
Other names: short protein forms W1923*.
Identifiers: ClinVar variation 2429610 (VCV002429610.1), dbSNP rs2543723318, ClinGen allele CA397570037.